The following is an entry in ClinVar:

ClinVar aggregate classification (germline): Uncertain significance. Review status: criteria provided, multiple submitters, no conflicts (2 of 4 stars). 2 submissions from 2 submitters: Uncertain significance (2). Last evaluated 2025-01-06.

Conditions:
Cardiovascular phenotype. Identifiers: MedGen CN230736.
Long QT syndrome (LQTS). Identifiers: MedGen C0023976, MeSH D008133, MONDO:0002442. Disease mechanism: loss of function. Inheritance: Various modes of inheritance.

Allele frequency attached by ClinVar (database versions not stated): gnomAD 0.00001; gnomAD exomes 0.00001; TOPMed 0.00001.
gnomAD v4.1: 12 of 1,612,412 alleles (0.00074%); highest among the groups gnomAD compares: Non-Finnish European, 0.00093%; no homozygotes.

Submissions (2):

Ambry Genetics
Classification: Uncertain significance for Cardiovascular phenotype. Last evaluated: 2025-01-06. Review status: criteria provided, single submitter. Criteria: Ambry Variant Classification Scheme 2023. Collection method: clinical testing. Allele origin: germline.
Comment: The p.E1829G variant (also known as c.5486A>G), located in coding exon 43 of the CACNA1C gene, results from an A to G substitution at nucleotide position 5486. The glutamic acid at codon 1829 is replaced by glycine, an amino acid with similar properties. This amino acid position is well conserved in available vertebrate species. In addition, the in silico prediction for this alteration is inconclusive. Based on the available evidence, the clinical significance of this variant remains unclear.

Labcorp Genetics (formerly Invitae), Labcorp
Classification: Uncertain significance for Long QT syndrome. Last evaluated: 2023-09-13. Review status: criteria provided, single submitter. Criteria: Invitae Variant Classification Sherloc (09022015). Collection method: clinical testing. Allele origin: germline.
Comment: This sequence change replaces glutamic acid, which is acidic and polar, with glycine, which is neutral and non-polar, at codon 1829 of the CACNA1C protein (p.Glu1829Gly). In summary, the available evidence is currently insufficient to determine the role of this variant in disease. Therefore, it has been classified as a Variant of Uncertain Significance. Advanced modeling of protein sequence and biophysical properties (such as structural, functional, and spatial information, amino acid conservation, physicochemical variation, residue mobility, and thermodynamic stability) performed at Invitae indicates that this missense variant is not expected to disrupt CACNA1C protein function. ClinVar contains an entry for this variant (Variation ID: 526936). This missense change has been observed in individual(s) with clinical features of long QT syndrome (Invitae). This variant is not present in population databases (gnomAD no frequency).

NM_000719.7(CACNA1C):c.5486A>G (p.Glu1829Gly)

Genes: CACNA1C (calcium voltage-gated channel subunit alpha1 C; plus strand), CACNA1C-AS1 (CACNA1C antisense RNA 1; minus strand). Cytogenetic location: 12p13.33.
Variant type: single nucleotide variant.
Coding change: c.5486A>G on transcript NM_000719.7 (MANE Select); coding-DNA position 5486, A replaced by G.
Protein change: p.Glu1829Gly; replaces glutamic acid 1829 with glycine.
Molecular consequence: missense variant.
Genome position (GRCh38, 1-based): chr12:2,682,591, A>G. VCF-style: chr12-2682591-A-G. GRCh37 (hg19) VCF-style: chr12-2791757-A-G.
Other names: c.5630A>G, p.Glu1877Gly (NM_001129827.2); c.5609A>G, p.Glu1870Gly (NM_001129829.2); c.5591A>G, p.Glu1864Gly (NM_001129830.3, NM_001167624.3); c.5570A>G, p.Glu1857Gly (NM_001129831.2); c.5546A>G, p.Glu1849Gly (NM_001129832.2); c.5543A>G, p.Glu1848Gly (NM_001129833.2, NM_001129834.2, NM_001129835.2); c.5537A>G, p.Glu1846Gly (NM_001129836.2); c.5510A>G, p.Glu1837Gly (NM_001129837.2, NM_001129838.2); and 6 more; short protein forms E1829G, E1864G, E1877G, E1837G, E1870G, E1818G, E1849G, E1912G.
Identifiers: ClinVar variation 526936 (VCV000526936.11), dbSNP rs1350126839, ClinGen allele CA383380772.
Genomic context (GRCh38, chr12:2,682,591, plus strand): 5'-TTCATCTTGGATATTGTAGGTGCCACTCCCGGGAGAGCCAGGCAGCCATGGCGGGTCAGG[A>G]GGAGACGTCTCAGGATGAGACCTATGAAGTGAAGATGAACCATGACACGGAGGCCTGCAG-3'
Protein context (NP_000710.5, residues 1819-1839): RESQAAMAGQ[Glu1829Gly]ETSQDETYEV